The following is an entry in ClinVar:

ClinVar aggregate classification (germline): Likely benign. Review status: criteria provided, single submitter (1 of 4 stars). 2 submissions from 2 submitters: Likely benign (1). 1 of the submissions does not count toward it. Last evaluated 2015-10-20.

Conditions:
Hereditary cancer-predisposing syndrome. Also called: Hereditary neoplastic syndrome; Tumor predisposition; Hereditary Cancer Syndrome; Neoplastic Syndromes, Hereditary. Identifiers: Orphanet 140162, MedGen C0027672, MeSH D009386, MONDO:0015356.
CHEK2-related disorder.

Allele frequency attached by ClinVar (database versions not stated): gnomAD exomes 0.00003 and 0.00011; gnomAD 0.00006; TOPMed 0.00008.
gnomAD v4.1: 22 of 697,130 alleles (0.0032%); highest among the groups gnomAD compares: East Asian, 0.057%; no homozygotes.

Submissions (2):

Color Diagnostics, LLC DBA Color Health
Classification: Likely benign for Hereditary cancer-predisposing syndrome. Last evaluated: 2015-10-20. Review status: criteria provided, single submitter. Criteria: ACMG Guidelines, 2015. Collection method: clinical testing. Allele origin: germline.

PreventionGenetics, part of Exact Sciences
Classification: Likely benign for CHEK2-related condition. Last evaluated: 2020-07-14. Review status: no assertion criteria provided. Collection method: clinical testing. Allele origin: germline. Not counted in ClinVar's aggregate classification.
Comment: This variant is classified as likely benign based on ACMG/AMP sequence variant interpretation guidelines (Richards et al. 2015 PMID: 25741868, with internal and published modifications).

NM_007194.4(CHEK2):c.319+3865T>C

Gene: CHEK2 (checkpoint kinase 2; minus strand). Cytogenetic location: 22q12.1.
Variant type: single nucleotide variant.
Coding change: c.319+3865T>C on transcript NM_007194.4 (MANE Select); 3865 bases into the intron after coding-DNA position 319, T replaced by C.
Molecular consequence: intron variant. On other transcripts: synonymous variant (4).
Genome position (GRCh38, 1-based): chr22:28,730,538, A>G on the plus strand (T>C on the coding strand, the complement: CHEK2 is on the minus strand). VCF-style: chr22-28730538-A-G. GRCh37 (hg19) VCF-style: chr22-29126526-A-G.
Other names: c.330T>C, p.Ser110= (NM_001005735.3, NM_001438293.1, NM_001438294.1 and 1 more transcripts); c.-344-5171T>C (NM_001437942.1); c.319+3865T>C (NM_001349956.3, NM_145862.3); c.-459+3865T>C (NM_001257387.3).
Identifiers: ClinVar variation 491612 (VCV000491612.12), dbSNP rs964218389, ClinGen allele CA322997007.
Genomic context (GRCh38, chr22:28,730,538, plus strand): 5'-GGCTGAGGCAGGAGGATCAGATGACAGCAGGAGTTCAAGATCAGATTGGGTAACATGGCC[A>G]GACTCTGTCTCTACAAAAAATAAAAATAAAAAAGTTAGGCCAGCCACGGTGGCTCATGCC-3'